The following is an entry in ClinVar:

NM_020207.7(ERCC6L2):c.924G>C (p.Met308Ile)

Gene: ERCC6L2 (ERCC excision repair 6 like 2; plus strand). Cytogenetic location: 9q22.32.
Variant type: single nucleotide variant.
Coding change: c.924G>C on transcript NM_020207.7 (MANE Select); coding-DNA position 924, G replaced by C.
Protein change: p.Met308Ile; replaces methionine 308 with isoleucine.
Molecular consequence: missense variant. On other transcripts: non-coding transcript variant (1).
Genome position (GRCh38, 1-based): chr9:95,915,803, G>C. VCF-style: chr9-95915803-G-C. GRCh37 (hg19) VCF-style: chr9-98678085-G-C.
Other names: c.924G>C, p.Met308Ile (NM_001010895.4, NM_001375291.1, NM_001375292.1 and 2 more transcripts); short protein forms M308I.
Identifiers: ClinVar variation 3509955 (VCV003509955.1).

ClinVar aggregate classification (germline): Uncertain significance (1 of 4 stars; one submission).

Conditions:
Inborn genetic diseases. Identifiers: MedGen C0950123, MeSH D030342.

Submission:

Ambry Genetics
Classification: Uncertain significance for Inborn genetic diseases. Last evaluated: 2024-10-17. Review status: criteria provided, single submitter. Criteria: Ambry Variant Classification Scheme 2023. Collection method: clinical testing. Allele origin: germline.
Comment: The p.M308I variant (also known as c.924G>C), located in coding exon 5 of the ERCC6L2 gene, results from a G to C substitution at nucleotide position 924. The methionine at codon 308 is replaced by isoleucine, an amino acid with highly similar properties. This amino acid position is conserved. In addition, this alteration is predicted to be deleterious by in silico analysis. Based on the available evidence, the clinical significance of this variant remains unclear.